The following is an entry in ClinVar:

NM_024422.6(DSC2):c.310C>A (p.Gln104Lys)

Gene: DSC2 (desmocollin 2; minus strand). Cytogenetic location: 18q12.1.
Variant type: single nucleotide variant.
Coding change: c.310C>A on transcript NM_024422.6 (MANE Select); coding-DNA position 310, C replaced by A.
Protein change: p.Gln104Lys; replaces glutamine 104 with lysine.
Molecular consequence: missense variant.
Genome position (GRCh38, 1-based): chr18:31,092,145, G>T on the plus strand (C>A on the coding strand, the complement: DSC2 is on the minus strand). VCF-style: chr18-31092145-G-T. GRCh37 (hg19) VCF-style: chr18-28672108-G-T.
Other names: c.-120C>A (NM_001406506.1, NM_001406507.1); c.310C>A, p.Gln104Lys (NM_004949.5); short protein forms Q104K.
Identifiers: ClinVar variation 1727725 (VCV001727725.2), dbSNP rs2510956015, ClinGen allele CA402114659.

ClinVar aggregate classification (germline): Uncertain significance (1 of 4 stars; one submission).

Conditions:
Cardiovascular phenotype. Identifiers: MedGen CN230736.

Submission:

Ambry Genetics
Classification: Uncertain significance for Cardiovascular phenotype. Last evaluated: 2021-04-24. Review status: criteria provided, single submitter. Criteria: Ambry Variant Classification Scheme 2023. Collection method: clinical testing. Allele origin: germline.
Comment: The p.Q104K variant (also known as c.310C>A), located in coding exon 3 of the DSC2 gene, results from a C to A substitution at nucleotide position 310. The glutamine at codon 104 is replaced by lysine, an amino acid with similar properties. This amino acid position is not well conserved in available vertebrate species, and lysine is the reference amino acid in other vertebrate species. In addition, this alteration is predicted to be tolerated by in silico analysis. Since supporting evidence is limited at this time, the clinical significance of this alteration remains unclear.